The following is an entry in ClinVar:

ClinVar aggregate classification (germline): Likely benign (1 of 4 stars; one submission).

Allele frequency attached by ClinVar (database versions not stated): gnomAD 0.00001.
gnomAD v4.1: 13 of 1,614,024 alleles (0.00081%); highest among the groups gnomAD compares: African/African-American, 0.004%; no homozygotes.

Submission:

CeGaT Center for Human Genetics Tuebingen
Classification: Likely benign. Last evaluated: 2022-06-01. Review status: criteria provided, single submitter. Criteria: CeGaT Center For Human Genetics Tuebingen Variant Classification Criteria Version 2. Collection method: clinical testing. Allele origin: germline. Affected: yes. Observed: 1 variant allele.
Comment: MRAP: BP4

NM_001379228.1(MRAP):c.365C>T (p.Pro122Leu)

Genes: MRAP (melanocortin 2 receptor accessory protein; plus strand), URB1 (URB1 ribosome biogenesis factor; minus strand). Cytogenetic location: 21q22.11.
Variant type: single nucleotide variant.
Coding change: c.365C>T on transcript NM_001379228.1 (MANE Select); coding-DNA position 365, C replaced by T.
Protein change: p.Pro122Leu; replaces proline 122 with leucine.
Molecular consequence: missense variant. On other transcripts: 3 prime UTR variant (1), intron variant (1).
Genome position (GRCh38, 1-based): chr21:32,311,842, C>T. VCF-style: chr21-32311842-C-T. GRCh37 (hg19) VCF-style: chr21-33684153-C-T.
Other names: c.188C>T, p.Pro63Leu (NM_001285394.2); c.365C>T, p.Pro122Leu (NM_178817.4); c.*3076G>A (NM_014825.3); c.207-2709C>T (NM_206898.2); short protein forms P122L, P63L.
Identifiers: ClinVar variation 2652594 (VCV002652594.24), dbSNP rs1279935163, ClinGen allele CA410059659.